The following is an entry in ClinVar:

ClinVar aggregate classification (germline): Pathogenic (1 of 4 stars; one submission).

Conditions:
Severe myoclonic epilepsy in infancy (DRVT). Also called: Epileptic encephalopathy, early infantile, 6 (Dravet syndrome); SEVERE MYOCLONIC EPILEPSY OF INFANCY; DEVELOPMENTAL AND EPILEPTIC ENCEPHALOPATHY 6A; Severe Myoclonic Epilepsy in Infancy (SMEI); Dravet syndrome. Identifiers: Orphanet 33069, MedGen C0751122, MONDO:0100135, OMIM 607208.

Submission:

Center for Bioinformatics, Peking University
Classification: Pathogenic for Dravet syndrome. Last evaluated: 2014-12-20. Review status: criteria provided, single submitter. Criteria: Xu et al. (Hum Mutat. 2015). Collection method: research. Allele origin: inherited. Affected: yes. Observed: 2 variant alleles. Study: University Clinical Cooperation “985 Project” PKU-2014-1-1.
Comment: Dravet syndrome (DS) probands were recruited from the outpatient and inpatient child neurology units of Peking University First Hospital from 2005 till present. The study was approved by the Ethics Committee of Peking University First Hospital and the Institutional Review Board at Peking University. Participants or their parents provided written informed consent before enrollment. We collected a total of 267 mutations from 255 families with probands diagnosed with DS in China. All probands fulfilled the clinical diagnostic criteria.

NM_001165963.4(SCN1A):c.2523_2524del (p.Thr841_Leu842insTer)

Gene: SCN1A (sodium voltage-gated channel alpha subunit 1; minus strand). Cytogenetic location: 2q24.3.
Variant type: Deletion.
Coding change: c.2523_2524del on transcript NM_001165963.4 (MANE Select); coding-DNA positions 2523 to 2524, 2 bases deleted (GC; older notation c.2523_2524delGC).
Protein change: p.Thr841_Leu842insTer.
Molecular consequence: frameshift variant. On other transcripts: non-coding transcript variant (1).
Genome position (GRCh38, 1-based): chr2:166,039,488-166,039,489, GC deleted on the plus strand (GC on the coding strand, the reverse complement: SCN1A is on the minus strand); deleting any 2 consecutive bases within chr2:166,039,488-166,039,490 gives the same sequence; the c. name uses the placement nearest the transcript's 3' end. VCF-style (leftmost placement, unchanged base first): chr2-166039487-AGC-A. GRCh37 (hg19) VCF-style: chr2-166895997-AGC-A.
Other names: c.2439_2440del, p.Thr813_Leu814insTer (NM_001165964.3, NM_001353957.2, NM_001353958.2); c.2523_2524del, p.Thr841_Leu842insTer (NM_001202435.3, NM_001353948.2); c.2490_2491del, p.Thr830_Leu831insTer (NM_001353949.2, NM_001353950.2, NM_001353951.2 and 2 more transcripts); c.2487_2488del, p.Thr829_Leu830insTer (NM_001353954.2, NM_001353955.2); c.2436_2437del, p.Thr812_Leu813insTer (NM_001353960.2); c.81_82del, p.Thr27_Leu28insTer (NM_001353961.2).
Identifiers: ClinVar variation 189895 (VCV000189895.1), dbSNP rs794726738, ClinGen allele CA303236.
Genomic context (GRCh38, chr2:166,039,487, plus strand): 5'-CGAAATGAACGGAGAACAGATAATCCTTCCACATTGGCGAGTCCAAGTTCTACCAGGCTA[AGC>A]GTCACAATAAAACCGTCAAAGATATTCCAGCCTTCTTGGAAATAATAGTAAGGATCCATG-3'